The following is an entry in ClinVar:

NM_001003694.2(BRPF1):c.2212G>T (p.Ala738Ser)

Gene: BRPF1 (bromodomain and PHD finger containing 1; plus strand). Cytogenetic location: 3p25.3.
Variant type: single nucleotide variant.
Coding change: c.2212G>T on transcript NM_001003694.2 (MANE Select); coding-DNA position 2212, G replaced by T.
Protein change: p.Ala738Ser; replaces alanine 738 with serine.
Molecular consequence: missense variant. On other transcripts: non-coding transcript variant (1).
Genome position (GRCh38, 1-based): chr3:9,743,154, G>T. VCF-style: chr3-9743154-G-T. GRCh37 (hg19) VCF-style: chr3-9784838-G-T.
Other names: c.2194G>T, p.Ala732Ser (NM_001319049.2, NM_001319050.2, NM_004634.3); c.2212G>T, p.Ala738Ser (NM_001410704.1); short protein forms A732S, A738S.
Identifiers: ClinVar variation 3367855 (VCV003367855.1).

ClinVar aggregate classification (germline): Uncertain significance (1 of 4 stars; one submission).

Submission:

GeneDx
Classification: Uncertain significance. Last evaluated: 2024-01-17. Review status: criteria provided, single submitter. Criteria: GeneDx Variant Classification Process June 2021. Collection method: clinical testing. Allele origin: germline. Affected: yes.
Comment: Not observed at significant frequency in large population cohorts (gnomAD); In silico analysis supports that this missense variant has a deleterious effect on protein structure/function; Has not been previously published as pathogenic or benign to our knowledge